The following is an entry in ClinVar:

NM_000287.4(PEX6):c.600del (p.Thr201fs)

Gene: PEX6 (peroxisomal biogenesis factor 6; minus strand). Cytogenetic location: 6p21.1.
Variant type: Deletion.
Coding change: c.600del on transcript NM_000287.4 (MANE Select); coding-DNA position 600, one base deleted (G; older notation c.600delG).
Protein change: p.Thr201fs; shifts the reading frame from threonine 201.
Molecular consequence: frameshift variant. On other transcripts: non-coding transcript variant (1).
Genome position (GRCh38, 1-based): chr6:42,978,551, C deleted on the plus strand (G on the coding strand, the reverse complement: PEX6 is on the minus strand); the first of 3 consecutive C bases (chr6:42,978,551-42,978,553); deleting any one gives the same sequence. VCF-style (leftmost placement, unchanged base first): chr6-42978550-TC-T. GRCh37 (hg19) VCF-style: chr6-42946288-TC-T.
Other names: c.600del, p.Thr201fs (NM_001316313.2); short protein forms T201fs.
Identifiers: ClinVar variation 2572543 (VCV002572543.1), dbSNP rs2481278028, ClinGen allele CA2580614881.

ClinVar aggregate classification (germline): Likely pathogenic (1 of 4 stars; one submission).

Conditions:
Peroxisome biogenesis disorder 4A (Zellweger) (PBD4A). Also called: Zellweger syndrome spectrum (PEX6-related). Identifiers: Orphanet 912, MedGen C3553936, MONDO:0013930, OMIM 614862. Disease mechanism: loss of function.

Submission:

3billion
Classification: Likely pathogenic for Peroxisome biogenesis disorder 4A (Zellweger). Review status: criteria provided, single submitter. Criteria: ACMG Guidelines, 2015. Collection method: clinical testing. Allele origin: unknown. Affected: yes. Observed: 1 heterozygote.
Comment: The variant is not observed in the gnomAD v2.1.1 dataset. The variant is predicted to result in a loss or disruption of normal protein function through nonsense-mediated decay (NMD) or protein truncation. Multiple pathogenic variants are reported downstream of the variant. Therefore, this variant is classified as Likely pathogenic according to the recommendation of ACMG/AMP guideline.